The following is an entry in ClinVar:

NM_198904.4(GABRG2):c.698G>A (p.Arg233Lys)

Gene: GABRG2 (gamma-aminobutyric acid type A receptor subunit gamma2; plus strand). Cytogenetic location: 5q34.
Variant type: single nucleotide variant.
Coding change: c.698G>A on transcript NM_198904.4 (MANE Select); coding-DNA position 698, G replaced by A.
Protein change: p.Arg233Lys; replaces arginine 233 with lysine.
Molecular consequence: missense variant.
Genome position (GRCh38, 1-based): chr5:162,103,955, G>A. VCF-style: chr5-162103955-G-A. GRCh37 (hg19) VCF-style: chr5-161530961-G-A.
Other names: c.698G>A, p.Arg233Lys (NM_000816.3, NM_001375340.1, NM_001375341.1 and 2 more transcripts); c.689G>A, p.Arg230Lys (NM_001375339.1); c.818G>A, p.Arg273Lys (NM_001375343.1, NM_198903.2); c.632G>A, p.Arg211Lys (NM_001375345.1, NM_001375346.1); c.611G>A, p.Arg204Lys (NM_001375347.1); c.278G>A, p.Arg93Lys (NM_001375348.1, NM_001375350.1); c.413G>A, p.Arg138Lys (NM_001375349.1); short protein forms R138K, R204K, R211K, R230K, R233K, R273K, R93K.
Identifiers: ClinVar variation 3762014 (VCV003762014.2).

ClinVar aggregate classification (germline): Uncertain significance (1 of 4 stars; one submission).

Conditions:
EPILEPSY, CHILDHOOD ABSENCE, SUSCEPTIBILITY TO, 2 (ECA2). Identifiers: Orphanet 64280, MedGen C1843244, OMIM 607681.
Febrile seizures, familial, 8 (FEB8). Also called: CONVULSIONS, FAMILIAL FEBRILE, 8. Identifiers: Orphanet 36387, MedGen C1969810, MONDO:0011891, OMIM 607681.

Submission:

Labcorp Genetics (formerly Invitae), Labcorp
Classification: Uncertain significance for Febrile seizures, familial, 8; EPILEPSY, CHILDHOOD ABSENCE, SUSCEPTIBILITY TO, 2. Last evaluated: 2024-02-02. Review status: criteria provided, single submitter. Criteria: Invitae Variant Classification Sherloc (09022015). Collection method: clinical testing. Allele origin: germline.
Comment: This sequence change replaces arginine, which is basic and polar, with lysine, which is basic and polar, at codon 233 of the GABRG2 protein (p.Arg233Lys). This variant is not present in population databases (gnomAD no frequency). This variant has not been reported in the literature in individuals affected with GABRG2-related conditions. Advanced modeling of protein sequence and biophysical properties (such as structural, functional, and spatial information, amino acid conservation, physicochemical variation, residue mobility, and thermodynamic stability) performed at Invitae indicates that this missense variant is not expected to disrupt GABRG2 protein function with a negative predictive value of 95%. In summary, the available evidence is currently insufficient to determine the role of this variant in disease. Therefore, it has been classified as a Variant of Uncertain Significance.